The following is an entry in ClinVar:

NM_019892.6(INPP5E):c.1672G>A (p.Val558Ile)

Gene: INPP5E (inositol polyphosphate-5-phosphatase E; minus strand). Cytogenetic location: 9q34.3.
Variant type: single nucleotide variant.
Coding change: c.1672G>A on transcript NM_019892.6 (MANE Select); coding-DNA position 1672, G replaced by A.
Protein change: p.Val558Ile; replaces valine 558 with isoleucine.
Molecular consequence: missense variant.
Genome position (GRCh38, 1-based): chr9:136,430,407, C>T on the plus strand (G>A on the coding strand, the complement: INPP5E is on the minus strand). VCF-style: chr9-136430407-C-T. GRCh37 (hg19) VCF-style: chr9-139324859-C-T.
Other names: c.1669G>A, p.Val557Ile (NM_001318502.2); c.1672G>A (NM_019892.4); short protein forms V557I, V558I.
Identifiers: ClinVar variation 1413704 (VCV001413704.9), dbSNP rs1417022247, ClinGen allele CA375561454.

ClinVar aggregate classification (germline): Uncertain significance. Review status: criteria provided, multiple submitters, no conflicts (2 of 4 stars). 2 submissions from 2 submitters: Uncertain significance (2). Last evaluated 2024-02-17.

Conditions:
Inborn genetic diseases. Identifiers: MedGen C0950123, MeSH D030342.
Joubert syndrome. Also called: CEREBELLOPARENCHYMAL DISORDER IV; JOUBERT-BOLTSHAUSER SYNDROME; Familial aplasia of the vermis. Identifiers: Orphanet 475, MedGen C5979921, MONDO:0018772.

Allele frequency attached by ClinVar (database versions not stated): TOPMed 0.00001.
gnomAD v4.1: 6 of 1,555,748 alleles (0.00039%); highest among the groups gnomAD compares: South Asian, 0.0024%; no homozygotes.

Submissions (2):

Labcorp Genetics (formerly Invitae), Labcorp
Classification: Uncertain significance for Joubert syndrome. Last evaluated: 2024-02-17. Review status: criteria provided, single submitter. Criteria: Invitae Variant Classification Sherloc (09022015). Collection method: clinical testing. Allele origin: germline.
Comment: This sequence change replaces valine, which is neutral and non-polar, with isoleucine, which is neutral and non-polar, at codon 558 of the INPP5E protein (p.Val558Ile). This variant is present in population databases (no rsID available, gnomAD 0.003%). This variant has not been reported in the literature in individuals affected with INPP5E-related conditions. ClinVar contains an entry for this variant (Variation ID: 1413704). Algorithms developed to predict the effect of missense changes on protein structure and function output the following: SIFT: "Not Available"; PolyPhen-2: "Benign"; Align-GVGD: "Not Available". The isoleucine amino acid residue is found in multiple mammalian species, which suggests that this missense change does not adversely affect protein function. In summary, the available evidence is currently insufficient to determine the role of this variant in disease. Therefore, it has been classified as a Variant of Uncertain Significance.

Ambry Genetics
Classification: Uncertain significance for Inborn genetic diseases. Last evaluated: 2023-07-19. Review status: criteria provided, single submitter. Criteria: Ambry Variant Classification Scheme 2023. Collection method: clinical testing. Allele origin: germline.